The following is an entry in ClinVar:

ClinVar aggregate classification (germline): Pathogenic. Review status: criteria provided, single submitter (1 of 4 stars). 2 submissions from 2 submitters: Pathogenic (1). 1 of the submissions does not count toward it. Last evaluated 2025-01-09.

Conditions:
Autosomal recessive nonsyndromic hearing loss 9. Also called: NEUROSENSORY NONSYNDROMIC RECESSIVE DEAFNESS 9; OTOF-Related Hearing Loss; Deafness, autosomal recessive 9; AUDITORY NEUROPATHY, AUTOSOMAL RECESSIVE, 1, TEMPERATURE-SENSITIVE. Identifiers: Orphanet 90636, MedGen C1832828, MONDO:0010986, OMIM 601071.

Submissions (2):

Institute of Rare Diseases, West China Hospital, Sichuan University
Classification: Pathogenic for Autosomal recessive nonsyndromic hearing loss 9. Last evaluated: 2025-01-09. Review status: criteria provided, single submitter. Criteria: ClinGen HL ACMG Specifications v1. Collection method: research. Allele origin: germline. Affected: yes.
Comment: PVS1;PM3_Supporting;PM2_Supporting

Diagnosis and Treatment Center of Genetic Hearing Loss, Eye & ENT Hospital of Fudan University
Classification: Likely pathogenic for Autosomal recessive nonsyndromic hearing loss 9. Last evaluated: 2026-02-04. Review status: no assertion criteria provided. Collection method: clinical testing. Allele origin: germline. Inheritance: Autosomal recessive inheritance. Affected: yes. Not counted in ClinVar's aggregate classification.
Comment: The c.4501-2A>G splice acceptor variant in OTOF is predicted to disrupt splicing (PVS1). It is absent from population databases (PM2_Supporting).

NM_194248.3(OTOF):c.4501-2A>G

Gene: OTOF (otoferlin; minus strand). Cytogenetic location: 2p23.3.
Variant type: single nucleotide variant.
Coding change: c.4501-2A>G on transcript NM_194248.3 (MANE Select); the canonical splice acceptor site of the intron before coding-DNA position 4501, A replaced by G.
Molecular consequence: splice acceptor variant.
Genome position (GRCh38, 1-based): chr2:26,466,078, T>C on the plus strand (A>G on the coding strand, the complement: OTOF is on the minus strand). VCF-style: chr2-26466078-T-C. GRCh37 (hg19) VCF-style: chr2-26688946-T-C.
Other names: c.4501-2A>G (NM_001287489.2); c.2200-2A>G (NM_194323.3, NM_004802.4); c.2431-2A>G (NM_194322.3).
Identifiers: ClinVar variation 3601549 (VCV003601549.2).